The following is an entry in ClinVar:

NM_000350.3(ABCA4):c.1906C>T (p.Gln636Ter)

Gene: ABCA4 (ATP binding cassette subfamily A member 4; minus strand). Cytogenetic location: 1p22.1.
Variant type: single nucleotide variant.
Coding change: c.1906C>T on transcript NM_000350.3 (MANE Select); coding-DNA position 1906, C replaced by T.
Protein change: p.Gln636Ter; replaces glutamine 636 with a stop codon.
Molecular consequence: nonsense.
Genome position (GRCh38, 1-based): chr1:94,062,608, G>A on the plus strand (C>T on the coding strand, the complement: ABCA4 is on the minus strand). VCF-style: chr1-94062608-G-A. GRCh37 (hg19) VCF-style: chr1-94528164-G-A.
Other names: NM_000350.3(ABCA4):c.1906C>T; p.Gln636Ter; c.1906C>T, p.Gln636Ter (NM_001425324.1); short protein forms Q636*.
Identifiers: ClinVar variation 265012 (VCV000265012.20), dbSNP rs145961131, ClinGen allele CA10588302.

ClinVar aggregate classification (germline): Pathogenic. Review status: criteria provided, multiple submitters, no conflicts (2 of 4 stars). 8 submissions from 8 submitters: Pathogenic (7). 1 of the submissions does not count toward it. Last evaluated 2025-12-16.

Conditions:
Cone-rod dystrophy 3 (CORD3). Identifiers: Orphanet 1872, MedGen C1858806, MONDO:0011395, OMIM 604116.
Severe early-childhood-onset retinal dystrophy (STGD1). Also called: Stargardt macular dystrophy; Juvenile onset macular degeneration; Stargardt disease 1; MACULAR DYSTROPHY WITH FLECKS, TYPE 1; STGD. Identifiers: Orphanet 364055, Orphanet 827, MedGen C1855465, MeSH D000080362, MONDO:0009549, OMIM 248200.
Retinitis pigmentosa 19 (RP19). Also called: ABCA4-Related Retinitis Pigmentosa. Identifiers: Orphanet 791, MedGen C1866422, MONDO:0011137, OMIM 601718.
Age related macular degeneration 2. Also called: MACULOPATHY, AGE-RELATED; MACULAR DEGENERATION, SENILE; MACULOPATHY, AGE-RELATED, 2. Identifiers: MedGen C3495438, MONDO:0007932, OMIM 153800.
ABCA4-related disorder. Also called: ABCA4-related disorders; ABCA4-related condition. Identifiers: MedGen CN239167.

Allele frequency attached by ClinVar (database versions not stated): gnomAD 0.00002 and 0.00003; TOPMed 0.00003; gnomAD exomes 0.00002; ESP Exome Variant Server 0.00008.
gnomAD v4.1: 151 of 1,614,022 alleles (0.0094%); highest among the groups gnomAD compares: Non-Finnish European, 0.013%; no homozygotes.

Submissions (8):

Labcorp Genetics (formerly Invitae), Labcorp
Classification: Pathogenic. Last evaluated: 2025-12-16. Review status: criteria provided, single submitter. Criteria: Invitae Variant Classification Sherloc (09022015). Collection method: clinical testing. Allele origin: germline.
Comment: This sequence change creates a premature translational stop signal (p.Gln636*) in the ABCA4 gene. It is expected to result in an absent or disrupted protein product. Loss-of-function variants in ABCA4 are known to be pathogenic (PMID: 10958761, 24938718, 25312043, 26780318). This variant is present in population databases (rs145961131, gnomAD 0.004%). This premature translational stop signal has been observed in individual(s) with ABCA4-related disorders including Stargardt disease and retinitis pigmentosa (PMID: 21911583, 22968130, 28041643). ClinVar contains an entry for this variant (Variation ID: 265012). For these reasons, this variant has been classified as Pathogenic.

PreventionGenetics, part of Exact Sciences
Classification: Pathogenic for ABCA4-related condition. Last evaluated: 2025-09-03. Review status: criteria provided, single submitter. Criteria: ACMG Guidelines, 2015. Collection method: clinical testing. Allele origin: germline.
Comment: The ABCA4 c.1906C>T variant is predicted to result in premature protein termination (p.Gln636*). This variant has been reported many times in individuals with ABCA4-related retinal disease (see for examples: Collison et al. 2019. PubMed ID: 30204727; Table S10, Khan et al. 2020. PubMed ID: 32307445; Table S1, Lin et al. 2024. PubMed ID: 38219857). This variant is present in 0.0044% of alleles in individuals of European (Non-Finnish) descent in gnomAD. Nonsense variants in ABCA4 are an established mechanism of disease. This variant is interpreted as pathogenic.

GeneDx
Classification: Pathogenic. Last evaluated: 2025-07-18. Review status: criteria provided, single submitter. Criteria: GeneDx Variant Classification Process June 2021. Collection method: clinical testing. Allele origin: germline. Affected: yes.
Comment: Nonsense variant predicted to result in protein truncation or nonsense mediated decay in a gene for which loss of function is a known mechanism of disease; This variant is associated with the following publications: (PMID: 35120629, 31964843, 32307445, 29925512, 24020726, 29884405, 22968130, 21911583, 22863181, 28559085, 30204727)

Blueprint Genetics
Classification: Pathogenic for ABCA4-related disorders. Last evaluated: 2024-11-06. Review status: criteria provided, single submitter. Criteria: ACMG Guidelines, 2015. Collection method: clinical testing. Allele origin: germline. Affected: yes. Observed: 5 variant alleles.

Fulgent Genetics
Classification: Pathogenic for Age related macular degeneration 2; Severe early-childhood-onset retinal dystrophy; Retinitis pigmentosa 19; Cone-rod dystrophy 3. Last evaluated: 2024-06-07. Review status: criteria provided, single submitter. Criteria: ACMG Guidelines, 2015. Collection method: clinical testing. Allele origin: germline.

Broad Center for Mendelian Genomics, Broad Institute of MIT and Harvard
Classification: Pathogenic for Retinitis pigmentosa 19. Last evaluated: 2023-01-25. Review status: criteria provided, single submitter. Criteria: ACMG Guidelines, 2015. Collection method: curation. Allele origin: germline. Inheritance: Autosomal recessive inheritance.
Comment: The heterozygous p.Gln636Ter variant in ABCA4 was identified by our study, in the compound heterozygous state with another pathogenic variant (ClinVar Variation ID: 99478). The p.Gln636Ter variant in ABCA4 has been previously reported in 8 unrelated individuals with autosomal recessive ABCA4-related retinopathy (PMID: 24020726, PMID: 29884405, PMID: 22863181, PMID: 28559085, PMID: 30204727, PMID: 28041643, PMID: 22968130, PMID: 21911583), but has been identified in 0.004% (5/113446) of European (non-Finnish) chromosomes by the Genome Aggregation Database (gnomAD; dbSNP ID: rs145961131). Although this variant has been seen in the general population in a heterozygous state, its frequency is low enough to be consistent with a recessive carrier frequency. Of these 8 previously reported individuals (PMID: 24020726, PMID: 29884405, PMID: 22863181, PMID: 28559085, PMID: 30204727, PMID: 28041643, PMID: 22968130, PMID: 21911583), 1 was a homozygote (PMID: 21911583), 6 were compound heterozygotes who carried pathogenic or likely pathogenic variants in trans (PMID: 24020726, ClinVar Variation ID: 92870; PMID: 29884405, ClinVar Variation ID: 7879; PMID: 28559085, ClinVar Variation ID: 7879; PMID: 30204727, ClinVar Variation ID: 99390; PMID: 28041643, ClinVar Variation ID: 30218; PMID: 22968130, ClinVar Variation ID: 99505) and 1 was a compound heterozygote who carried a variant of uncertain significance in trans (PMID: 22863181, ClinVar Variation ID: 7888), which increases the likelihood that the p.Gln636Ter variant is pathogenic. This variant has also been reported in ClinVar (Variation ID: 265012) and has been interpreted as pathogenic by multiple submitters. This nonsense variant leads to a premature termination codon at position 636, which is predicted to lead to a truncated or absent protein. Loss of function of the ABCA4 gene is an established disease mechanism in autosomal recessive ABCA4-related retinopathy. In summary, this variant meets criteria to be classified as pathogenic for autosomal recessive ABCA4-related retinopathy. ACMG/AMP Criteria applied: PVS1, PM2_Supporting, PM3_VeryStrong (Richards 2015).

Genetics and Molecular Pathology, SA Pathology
Classification: Pathogenic for Severe early-childhood-onset retinal dystrophy. Last evaluated: 2021-11-04. Review status: criteria provided, single submitter. Criteria: ACMG Guidelines, 2015. Collection method: clinical testing. Allele origin: germline. Affected: yes.

NIHR Bioresource Rare Diseases, University of Cambridge
Classification: Pathogenic. Last evaluated: 2015-01-01. Review status: no assertion criteria provided. Collection method: research. Allele origin: unknown. Affected: yes. Observed: 1 variant allele. Not counted in ClinVar's aggregate classification.

Literature cited by the submitters: PubMed 10958761 (cited by Labcorp Genetics (formerly Invitae), Labcorp); PubMed 24938718 (cited by Labcorp Genetics (formerly Invitae), Labcorp); PubMed 25312043 (cited by Labcorp Genetics (formerly Invitae), Labcorp); PubMed 26780318 (cited by Labcorp Genetics (formerly Invitae), Labcorp); PubMed 21911583 (cited by Labcorp Genetics (formerly Invitae), Labcorp and NIHR Bioresource Rare Diseases, University of Cambridge); PubMed 22968130 (cited by Labcorp Genetics (formerly Invitae), Labcorp); PubMed 28041643 (cited by Labcorp Genetics (formerly Invitae), Labcorp and NIHR Bioresource Rare Diseases, University of Cambridge).